The following is an entry in ClinVar:

ClinVar aggregate classification (germline): Uncertain significance. Review status: criteria provided, multiple submitters, no conflicts (2 of 4 stars). 2 submissions from 2 submitters: Uncertain significance (2). Last evaluated 2024-10-21.

Allele frequency attached by ClinVar (database versions not stated): gnomAD 0.00001; TOPMed 0.00001.
gnomAD v4.1: 9 of 1,262,388 alleles (0.00071%); highest among the groups gnomAD compares: Middle Eastern, 0.024%; no homozygotes.

Submissions (2):

Labcorp Genetics (formerly Invitae), Labcorp
Classification: Uncertain significance. Last evaluated: 2024-10-21. Review status: criteria provided, single submitter. Criteria: Invitae Variant Classification Sherloc (09022015). Collection method: clinical testing. Allele origin: germline.
Comment: This sequence change replaces glycine, which is neutral and non-polar, with cysteine, which is neutral and slightly polar, at codon 110 of the GATA5 protein (p.Gly110Cys). This variant is not present in population databases (gnomAD no frequency). This missense change has been observed in individual(s) with bicuspid aortic valve (PMID: 34461831). ClinVar contains an entry for this variant (Variation ID: 932385). Invitae Evidence Modeling of protein sequence and biophysical properties (such as structural, functional, and spatial information, amino acid conservation, physicochemical variation, residue mobility, and thermodynamic stability) has been performed for this missense variant. However, the output from this modeling did not meet the statistical confidence thresholds required to predict the impact of this variant on GATA5 protein function. In summary, the available evidence is currently insufficient to determine the role of this variant in disease. Therefore, it has been classified as a Variant of Uncertain Significance.

CeGaT Center for Human Genetics Tuebingen
Classification: Uncertain significance. Last evaluated: 2020-05-01. Review status: criteria provided, single submitter. Criteria: CeGaT Center For Human Genetics Tuebingen Variant Classification Criteria Version 2. Collection method: clinical testing. Allele origin: germline. Affected: yes. Observed: 1 variant allele.

Literature cited by the submitters: PubMed 34461831 (cited by Labcorp Genetics (formerly Invitae), Labcorp).

NM_080473.5(GATA5):c.328G>T (p.Gly110Cys)

Gene: GATA5 (GATA binding protein 5; minus strand). Cytogenetic location: 20q13.33.
Variant type: single nucleotide variant.
Coding change: c.328G>T on transcript NM_080473.5 (MANE Select); coding-DNA position 328, G replaced by T.
Protein change: p.Gly110Cys; replaces glycine 110 with cysteine.
Molecular consequence: missense variant.
Genome position (GRCh38, 1-based): chr20:62,475,194, C>A on the plus strand (G>T on the coding strand, the complement: GATA5 is on the minus strand). VCF-style: chr20-62475194-C-A. GRCh37 (hg19) VCF-style: chr20-61050250-C-A.
Other names: short protein forms G110C.
Identifiers: ClinVar variation 932385 (VCV000932385.41), dbSNP rs1373761742, ClinGen allele CA409556706.